The following is an entry in ClinVar:

ClinVar aggregate classification (germline): Uncertain significance. Review status: criteria provided, multiple submitters, no conflicts (2 of 4 stars). 2 submissions from 2 submitters: Uncertain significance (2). Last evaluated 2026-05-14.

Conditions:
Primary ciliary dyskinesia. Also called: Ciliary dyskinesia. Identifiers: Orphanet 244, MedGen C0008780, MONDO:0016575, HP:0012265.

Allele frequency attached by ClinVar (database versions not stated): gnomAD exomes 0.00003 and 0.00006; ExAC 0.00004; TOPMed 0.00007; gnomAD 0.00011 and 0.00012.

Submissions (2):

Ambry Genetics
Classification: Uncertain significance for Primary ciliary dyskinesia. Last evaluated: 2026-05-14. Review status: criteria provided, single submitter. Criteria: Ambry Variant Classification Scheme 2023. Collection method: clinical testing. Allele origin: germline.
Comment: The p.R90W variant (also known as c.268C>T), located in coding exon 3 of the CCDC114 gene, results from a C to T substitution at nucleotide position 268. The arginine at codon 90 is replaced by tryptophan, an amino acid with dissimilar properties. This amino acid position is conserved. In addition, this alteration is predicted to be tolerated by in silico analysis. Based on the available evidence, the clinical significance of this variant remains unclear.

Labcorp Genetics (formerly Invitae), Labcorp
Classification: Uncertain significance for Primary ciliary dyskinesia. Last evaluated: 2025-12-01. Review status: criteria provided, single submitter. Criteria: Invitae Variant Classification Sherloc (09022015). Collection method: clinical testing. Allele origin: germline.
Comment: This sequence change replaces arginine, which is basic and polar, with tryptophan, which is neutral and slightly polar, at codon 90 of the CCDC114 protein (p.Arg90Trp). This variant is present in population databases (rs772057072, gnomAD 0.009%). This variant has not been reported in the literature in individuals affected with CCDC114-related conditions. ClinVar contains an entry for this variant (Variation ID: 1682896). An algorithm developed to predict the effect of missense changes on protein structure and function (PolyPhen-2) suggests that this variant is likely to be disruptive. In summary, the available evidence is currently insufficient to determine the role of this variant in disease. Therefore, it has been classified as a Variant of Uncertain Significance.

NM_001364171.2(ODAD1):c.379C>T (p.Arg127Trp)

Gene: ODAD1 (outer dynein arm docking complex subunit 1; minus strand). Cytogenetic location: 19q13.33.
Variant type: single nucleotide variant.
Coding change: c.379C>T on transcript NM_001364171.2 (MANE Select); coding-DNA position 379, C replaced by T.
Protein change: p.Arg127Trp; replaces arginine 127 with tryptophan.
Molecular consequence: missense variant.
Genome position (GRCh38, 1-based): chr19:48,312,098, G>A on the plus strand (C>T on the coding strand, the complement: ODAD1 is on the minus strand). VCF-style: chr19-48312098-G-A. GRCh37 (hg19) VCF-style: chr19-48815355-G-A.
Other names: c.268C>T, p.Arg90Trp (NM_144577.4); c.268C>T (NM_144577.3); short protein forms R127W, R90W.
Identifiers: ClinVar variation 1682896 (VCV001682896.7), dbSNP rs772057072, ClinGen allele CA9549055.
Genomic context (GRCh38, chr19:48,312,098, plus strand): 5'-TGACCTTCTGATCCAGGATGAATCCCGGGGACCTGACATTCTTACTGTGGGTAAAGATCC[G>A]CGTCTCCCACTCCTGGATCTACAAGAAAGAGGATGGTACCTGTTTTTGGTTGCCTGAATG-3'
Protein context (NP_001351100.1, residues 117-137): LDKQIQEWET[Arg127Trp]IFTHSKNVRS